The following is an entry in ClinVar:

ClinVar aggregate classification (germline): Likely benign (1 of 4 stars; one submission).

gnomAD v4.1: 1 of 1,614,132 alleles (0.000062%); highest among the groups gnomAD compares: Non-Finnish European, 0.000085%; no homozygotes.

Submission:

GeneDx
Classification: Likely benign. Last evaluated: 2017-08-17. Review status: criteria provided, single submitter. Criteria: GeneDx Variant Classification (06012015). Collection method: clinical testing. Allele origin: germline. Affected: yes.
Comment: This variant is considered likely benign or benign based on one or more of the following criteria: it is a conservative change, it occurs at a poorly conserved position in the protein, it is predicted to be benign by multiple in silico algorithms, and/or has population frequency not consistent with disease.

NM_001098.3(ACO2):c.1954-17C>T

Genes: ACO2 (aconitase 2; plus strand), POLR3H (RNA polymerase III subunit H; minus strand). Cytogenetic location: 22q13.2.
Variant type: single nucleotide variant.
Coding change: c.1954-17C>T on transcript NM_001098.3 (MANE Select); 17 bases into the intron before coding-DNA position 1954, C replaced by T.
Molecular consequence: intron variant. On other transcripts: 3 prime UTR variant (5).
Genome position (GRCh38, 1-based): chr22:41,527,271, C>T. VCF-style: chr22-41527271-C-T. GRCh37 (hg19) VCF-style: chr22-41923275-C-T.
Other names: c.*2012G>A (NM_001018050.4, NM_001018052.4, NM_001282884.2 and 2 more transcripts).
Identifiers: ClinVar variation 511465 (VCV000511465.2), dbSNP rs373677045, ClinGen allele CA658799558.